The following is an entry in ClinVar:

ClinVar aggregate classification (germline): Uncertain significance (1 of 4 stars; one submission).

Conditions:
Immunodeficiency, common variable, 10. Also called: IMMUNODEFICIENCY, COMMON VARIABLE, WITH CENTRAL ADRENAL INSUFFICIENCY; DEFICIT IN ANTERIOR PITUITARY FUNCTION AND VARIABLE IMMUNODEFICIENCY. Identifiers: MedGen C3809991, MONDO:0014260, OMIM 615577.

Allele frequency attached by ClinVar (database versions not stated): gnomAD exomes below 0.00001.
gnomAD v4.1: 2 of 1,514,822 alleles (0.00013%); highest among the groups gnomAD compares: South Asian, 0.0012%; no homozygotes.

Submission:

Labcorp Genetics (formerly Invitae), Labcorp
Classification: Uncertain significance for Immunodeficiency, common variable, 10. Last evaluated: 2023-08-17. Review status: criteria provided, single submitter. Criteria: Invitae Variant Classification Sherloc (09022015). Collection method: clinical testing. Allele origin: germline.
Comment: In summary, the available evidence is currently insufficient to determine the role of this variant in disease. Therefore, it has been classified as a Variant of Uncertain Significance. An algorithm developed to predict the effect of missense changes on protein structure and function (PolyPhen-2) suggests that this variant is likely to be tolerated. This variant has not been reported in the literature in individuals affected with NFKB2-related conditions. This variant is not present in population databases (gnomAD no frequency). This sequence change replaces arginine, which is basic and polar, with lysine, which is basic and polar, at codon 428 of the NFKB2 protein (p.Arg428Lys).

NM_001322934.2(NFKB2):c.1283G>A (p.Arg428Lys)

Genes: NFKB2 (nuclear factor kappa B subunit 2; plus strand), LOC130004599 (ATAC-STARR-seq lymphoblastoid silent region 2756; plus strand). Cytogenetic location: 10q24.32.
Variant type: single nucleotide variant.
Coding change: c.1283G>A on transcript NM_001322934.2 (MANE Select); coding-DNA position 1283, G replaced by A.
Protein change: p.Arg428Lys; replaces arginine 428 with lysine.
Molecular consequence: missense variant.
Genome position (GRCh38, 1-based): chr10:102,399,453, G>A. VCF-style: chr10-102399453-G-A. GRCh37 (hg19) VCF-style: chr10-104159210-G-A.
Other names: c.1283G>A, p.Arg428Lys (NM_001077493.1, NM_001077494.3, NM_001261403.3 and 2 more transcripts); c.1157G>A, p.Arg386Lys (NM_001322935.1); short protein forms R428K, R386K.
Identifiers: ClinVar variation 2753278 (VCV002753278.3), dbSNP rs2544590281, ClinGen allele CA377899276.